The following is an entry in ClinVar:

ClinVar aggregate classification (germline): Benign/Likely benign. Review status: criteria provided, multiple submitters, no conflicts (2 of 4 stars). 3 submissions from 3 submitters: Benign (1); Likely benign (2). Last evaluated 2024-09-26.

Conditions:
Hereditary cancer-predisposing syndrome. Also called: Hereditary neoplastic syndrome; Hereditary Cancer Syndrome; Tumor predisposition; Neoplastic Syndromes, Hereditary. Identifiers: Orphanet 140162, MedGen C0027672, MeSH D009386, MONDO:0015356.
Melanoma, cutaneous malignant, susceptibility to, 3. Also called: Cutaneous malignant melanoma 3. Identifiers: Orphanet 618, MedGen C1836892, MONDO:0012183, OMIM 609048.
Familial melanoma. Also called: Hereditary melanoma; Hereditary cutaneous melanoma. Identifiers: Orphanet 618, MedGen C1512419, MONDO:0018961.

Submissions (3):

Myriad Genetics, Inc.
Classification: Benign for Melanoma, cutaneous malignant, susceptibility to, 3. Last evaluated: 2024-09-26. Review status: criteria provided, single submitter. Criteria: Myriad Autosomal Dominant, Autosomal Recessive and X-Linked Classification Criteria (2023). Collection method: clinical testing. Allele origin: unknown.
Comment: This variant is considered benign. This variant is a silent/synonymous amino acid change and it is not expected to impact splicing.

Labcorp Genetics (formerly Invitae), Labcorp
Classification: Likely benign for Familial melanoma. Last evaluated: 2024-02-09. Review status: criteria provided, single submitter. Criteria: Invitae Variant Classification Sherloc (09022015). Collection method: clinical testing. Allele origin: germline.

Ambry Genetics
Classification: Likely benign for Hereditary cancer-predisposing syndrome. Last evaluated: 2021-02-04. Review status: criteria provided, single submitter. Criteria: Ambry Variant Classification Scheme 2023. Collection method: clinical testing. Allele origin: germline.

NM_000075.4(CDK4):c.744C>T (p.Ala248=)

Genes: TSPAN31 (tetraspanin 31; plus strand), CDK4 (cyclin dependent kinase 4; minus strand). Cytogenetic location: 12q14.1.
Variant type: single nucleotide variant.
Coding change: c.744C>T on transcript NM_000075.4 (MANE Select); coding-DNA position 744, C replaced by T.
Protein change: p.Ala248=; no amino-acid change (alanine 248 retained).
Molecular consequence: synonymous variant. On other transcripts: 3 prime UTR variant (3).
Genome position (GRCh38, 1-based): chr12:57,749,257, G>A on the plus strand (C>T on the coding strand, the complement: CDK4 is on the minus strand). VCF-style: chr12-57749257-G-A. GRCh37 (hg19) VCF-style: chr12-58143040-G-A.
Other names: c.*1967G>A (NM_001330168.2, NM_001330169.2, NM_005981.5).
Identifiers: ClinVar variation 1127442 (VCV001127442.12), dbSNP rs1595108768, ClinGen allele CA480300139.